The following is an entry in ClinVar:

NM_001184.4(ATR):c.6183_6221+90dup

Genes: ATR (ATR checkpoint kinase; minus strand), LOC126806830 (BRD4-independent group 4 enhancer GRCh37_chr3:142203676-142204875; plus strand). Cytogenetic location: 3q23.
Variant type: Duplication.
Coding change: c.6183_6221+90dup on transcript NM_001184.4 (MANE Select); coding-DNA position 6183 through 90 bases into the intron after coding-DNA position 6221, 129 bases duplicated.
Molecular consequence: splice donor variant.
Genome position (GRCh38, 1-based): chr3:142,485,050-142,485,178, 129 bases duplicated. GRCh37 (hg19): chr3:142,203,892-142,204,020.
Other names: c.5991_6029+90dup (NM_001354579.2).
Identifiers: ClinVar variation 3644502 (VCV003644502.2).

ClinVar aggregate classification (germline): Uncertain significance (1 of 4 stars; one submission).

Submission:

Labcorp Genetics (formerly Invitae), Labcorp
Classification: Uncertain significance. Last evaluated: 2025-08-01. Review status: criteria provided, single submitter. Criteria: Invitae Variant Classification Sherloc (09022015). Collection method: clinical testing. Allele origin: germline.
Comment: This sequence change falls in intron 36 of the ATR gene. It does not directly change the encoded amino acid sequence of the ATR protein. This variant is not present in population databases (gnomAD no frequency). This variant has not been reported in the literature in individuals affected with ATR-related conditions. Experimental studies and prediction algorithms are not available or were not evaluated, and the functional significance of this variant is currently unknown. In summary, the available evidence is currently insufficient to determine the role of this variant in disease. Therefore, it has been classified as a Variant of Uncertain Significance.